The following is an entry in ClinVar:

NM_003835.4(RGS9):c.1868G>A (p.Arg623Gln)

Gene: RGS9 (regulator of G protein signaling 9; plus strand). Cytogenetic location: 17q24.1.
Variant type: single nucleotide variant.
Coding change: c.1868G>A on transcript NM_003835.4 (MANE Select); coding-DNA position 1868, G replaced by A.
Protein change: p.Arg623Gln; replaces arginine 623 with glutamine.
Molecular consequence: missense variant.
Genome position (GRCh38, 1-based): chr17:65,225,462, G>A. VCF-style: chr17-65225462-G-A. GRCh37 (hg19) VCF-style: chr17-63221580-G-A.
Other names: c.1859G>A, p.Arg620Gln (NM_001081955.3); short protein forms R623Q, R620Q.
Identifiers: ClinVar variation 497909 (VCV000497909.12), dbSNP rs139146881, ClinGen allele CA8718167.
Genomic context (GRCh38, chr17:65,225,462, plus strand): 5'-GCCCTGCTGTGTCCCACGGGAGGGTGCAGCCCCTGGGGGACGTGGGCCAGCAGCTGCCAC[G>A]ATTGAAATCCAAGAGAGTAGCAAAGTAAGAACCCGAAGGGGACGTGCCGTATGCATGGGT-3'
Protein context (NP_003826.2, residues 613-633): PLGDVGQQLP[Arg623Gln]LKSKRVANFF

ClinVar aggregate classification (germline): Uncertain significance. Review status: criteria provided, multiple submitters, no conflicts (2 of 4 stars). 3 submissions from 3 submitters: Uncertain significance (3). Last evaluated 2024-11-05.

Conditions:
Inborn genetic diseases. Identifiers: MedGen C0950123, MeSH D030342.

Allele frequency attached by ClinVar (database versions not stated): TOPMed 0.00018.
gnomAD v4.1: 162 of 1,604,350 alleles (0.01%); highest among the groups gnomAD compares: Admixed American, 0.08%; no homozygotes.

Submissions (3):

Labcorp Genetics (formerly Invitae), Labcorp
Classification: Uncertain significance. Last evaluated: 2024-11-05. Review status: criteria provided, single submitter. Criteria: Invitae Variant Classification Sherloc (09022015). Collection method: clinical testing. Allele origin: germline.
Comment: This sequence change replaces arginine, which is basic and polar, with glutamine, which is neutral and polar, at codon 623 of the RGS9 protein (p.Arg623Gln). This variant is present in population databases (rs139146881, gnomAD 0.006%). This variant has not been reported in the literature in individuals affected with RGS9-related conditions. ClinVar contains an entry for this variant (Variation ID: 497909). An algorithm developed to predict the effect of missense changes on protein structure and function (PolyPhen-2) suggests that this variant¬†is likely to be tolerated. In summary, the available evidence is currently insufficient to determine the role of this variant in disease. Therefore, it has been classified as a Variant of Uncertain Significance.

Ambry Genetics
Classification: Uncertain significance for Inborn genetic diseases. Last evaluated: 2021-09-27. Review status: criteria provided, single submitter. Criteria: Ambry Variant Classification Scheme 2023. Collection method: clinical testing. Allele origin: germline.

Eurofins Ntd Llc (ga)
Classification: Uncertain significance. Last evaluated: 2016-11-15. Review status: criteria provided, single submitter. Criteria: EGL Classification Definitions 2015. Collection method: clinical testing. Allele origin: germline. Observed: 1 variant allele, 1 heterozygote.